The following is an entry in ClinVar:

ClinVar aggregate classification (germline): Likely benign. Review status: criteria provided, single submitter (1 of 4 stars). 2 submissions from 2 submitters: Likely benign (1). 1 of the submissions does not count toward it. Last evaluated 2025-12-10.

Conditions:
LTBP3-related disorder. Also called: LTBP3-related condition.
Brachyolmia-amelogenesis imperfecta syndrome. Also called: PLATYSPONDYLY WITH AMELOGENESIS IMPERFECTA; Tooth agenesis, selective, 6; Dental anomalies and short stature. Identifiers: Orphanet 2899, MedGen C1832594, MONDO:0011018, OMIM 601216. Disease mechanism: loss of function.

Allele frequency attached by ClinVar (database versions not stated): gnomAD 0.00004; TOPMed 0.00004; gnomAD exomes 0.00007 and 0.00011; ExAC 0.00009.
gnomAD v4.1: 161 of 1,607,530 alleles (0.01%); highest among the groups gnomAD compares: Non-Finnish European, 0.013%; no homozygotes.

Submissions (2):

Labcorp Genetics (formerly Invitae), Labcorp
Classification: Likely benign for Brachyolmia-amelogenesis imperfecta syndrome. Last evaluated: 2025-12-10. Review status: criteria provided, single submitter. Criteria: Invitae Variant Classification Sherloc (09022015). Collection method: clinical testing. Allele origin: germline.

PreventionGenetics, part of Exact Sciences
Classification: Likely benign for LTBP3-related condition. Last evaluated: 2024-01-08. Review status: no assertion criteria provided. Collection method: clinical testing. Allele origin: germline. Not counted in ClinVar's aggregate classification.
Comment: This variant is classified as likely benign based on ACMG/AMP sequence variant interpretation guidelines (Richards et al. 2015 PMID: 25741868, with internal and published modifications).

NM_001130144.3(LTBP3):c.465C>A (p.Gly155=)

Gene: LTBP3 (latent transforming growth factor beta binding protein 3; minus strand). Cytogenetic location: 11q13.1.
Variant type: single nucleotide variant.
Coding change: c.465C>A on transcript NM_001130144.3 (MANE Select); coding-DNA position 465, C replaced by A.
Protein change: p.Gly155=; no amino-acid change (glycine 155 retained).
Molecular consequence: synonymous variant.
Genome position (GRCh38, 1-based): chr11:65,554,247, G>T on the plus strand (C>A on the coding strand, the complement: LTBP3 is on the minus strand). VCF-style: chr11-65554247-G-T. GRCh37 (hg19) VCF-style: chr11-65321718-G-T.
Other names: c.114C>A, p.Gly38= (NM_001164266.1); c.465C>A, p.Gly155= (NM_021070.4); c.465C>A (NM_001130144.2).
Identifiers: ClinVar variation 1530743 (VCV001530743.10), dbSNP rs765459938, ClinGen allele CA6101228.